The following is an entry in ClinVar:

NM_017654.4(SAMD9):c.2378C>G (p.Pro793Arg)

Gene: SAMD9 (sterile alpha motif domain containing 9; minus strand). Cytogenetic location: 7q21.2.
Variant type: single nucleotide variant.
Coding change: c.2378C>G on transcript NM_017654.4 (MANE Select); coding-DNA position 2378, C replaced by G.
Protein change: p.Pro793Arg; replaces proline 793 with arginine.
Molecular consequence: missense variant.
Genome position (GRCh38, 1-based): chr7:93,103,720, G>C on the plus strand (C>G on the coding strand, the complement: SAMD9 is on the minus strand). VCF-style: chr7-93103720-G-C. GRCh37 (hg19) VCF-style: chr7-92733033-G-C.
Other names: c.2378C>G, p.Pro793Arg (NM_001193307.2); short protein forms P793R.
Identifiers: ClinVar variation 4159050 (VCV004159050.1).

ClinVar aggregate classification (germline): Uncertain significance (1 of 4 stars; one submission).

Conditions:
Inborn genetic diseases. Identifiers: MedGen C0950123, MeSH D030342.

Submission:

Ambry Genetics
Classification: Uncertain significance for Inborn genetic diseases. Last evaluated: 2025-06-29. Review status: criteria provided, single submitter. Criteria: Ambry Variant Classification Scheme 2023. Collection method: clinical testing. Allele origin: germline.
Comment: The p.P793R variant (also known as c.2378C>G), located in coding exon 1 of the SAMD9 gene, results from a C to G substitution at nucleotide position 2378. The proline at codon 793 is replaced by arginine, an amino acid with dissimilar properties. This amino acid position is conserved. In addition, this alteration is predicted to be deleterious by in silico analysis. Based on the available evidence, the clinical significance of this variant remains unclear.